The following is an entry in ClinVar:

ClinVar aggregate classification (germline): Pathogenic (1 of 4 stars; one submission).

Conditions:
Dilated cardiomyopathy 1KK (CMD1KK). Identifiers: Orphanet 154, Orphanet 75249, MedGen C3714995, MONDO:0014100, OMIM 615248.

Submission:

Labcorp Genetics (formerly Invitae), Labcorp
Classification: Pathogenic for Dilated cardiomyopathy 1KK. Last evaluated: 2025-04-01. Review status: criteria provided, single submitter. Criteria: Invitae Variant Classification Sherloc (09022015). Collection method: clinical testing. Allele origin: germline.
Comment: This sequence change creates a premature translational stop signal (p.His1033Glnfs*60) in the MYPN gene. It is expected to result in an absent or disrupted protein product. Loss-of-function variants in MYPN are known to be pathogenic (PMID: 28017374). This variant is not present in population databases (gnomAD no frequency). This variant has not been reported in the literature in individuals affected with MYPN-related conditions. For these reasons, this variant has been classified as Pathogenic.

Literature cited by the submitters: PubMed 28017374.

NM_032578.4(MYPN):c.3080_3098dup (p.His1033fs)

Gene: MYPN (myopalladin; plus strand). Cytogenetic location: 10q21.3.
Variant type: Duplication.
Coding change: c.3080_3098dup on transcript NM_032578.4 (MANE Select); coding-DNA positions 3080 to 3098, 19 bases duplicated (GAATCAGCTGTTCTGGCCA).
Protein change: p.His1033fs; shifts the reading frame from histidine 1033.
Molecular consequence: frameshift variant. On other transcripts: non-coding transcript variant (2).
Genome position (GRCh38, 1-based): chr10:68,195,454-68,195,472, GAATCAGCTGTTCTGGCCA duplicated; duplicating any 19 consecutive bases within chr10:68,195,453-68,195,472 gives the same sequence; the c. name uses the placement nearest the transcript's 3' end. VCF-style (leftmost placement, unchanged base first): chr10-68195452-G-GAGAATCAGCTGTTCTGGCC. GRCh37 (hg19) VCF-style: chr10-69955209-G-GAGAATCAGCTGTTCTGGCC.
Other names: c.3080_3098dup, p.His1033fs (NM_001256267.2); c.2198_2216dup, p.His739fs (NM_001256268.2); short protein forms H1033fs, H739fs.
Identifiers: ClinVar variation 4810426 (VCV004810426.1).